The following is an entry in ClinVar:

ClinVar aggregate classification (germline): Likely benign (1 of 4 stars; one submission).

Conditions:
TGM5-related disorder. Also called: TGM5-related condition.

gnomAD v4.1: 554 of 1,613,942 alleles (0.034%); highest among the groups gnomAD compares: African/African-American, 0.66%; no homozygotes.

Submission:

PreventionGenetics, part of Exact Sciences
Classification: Likely benign for TGM5-related condition. Last evaluated: 2025-03-14. Review status: criteria provided, single submitter. Criteria: ACMG Guidelines, 2015. Collection method: clinical testing. Allele origin: germline.
Comment: This variant is classified as likely benign based on ACMG/AMP sequence variant interpretation guidelines (Richards et al. 2015 PMID: 25741868, with internal and published modifications).

NM_201631.4(TGM5):c.2073T>C (p.Ser691=)

Gene: TGM5 (transglutaminase 5; minus strand). Cytogenetic location: 15q15.2.
Variant type: single nucleotide variant.
Coding change: c.2073T>C on transcript NM_201631.4 (MANE Select); coding-DNA position 2073, T replaced by C.
Protein change: p.Ser691=; no amino-acid change (serine 691 retained).
Molecular consequence: synonymous variant.
Genome position (GRCh38, 1-based): chr15:43,233,281, A>G on the plus strand (T>C on the coding strand, the complement: TGM5 is on the minus strand). VCF-style: chr15-43233281-A-G. GRCh37 (hg19) VCF-style: chr15-43525479-A-G.
Other names: c.1827T>C, p.Ser609= (NM_004245.4).
Identifiers: ClinVar variation 4977008 (VCV004977008.1).